The following is an entry in ClinVar:

NM_003482.4(KMT2D):c.14264C>A (p.Thr4755Asn)

Gene: KMT2D (lysine methyltransferase 2D; minus strand). Cytogenetic location: 12q13.12.
Variant type: single nucleotide variant.
Coding change: c.14264C>A on transcript NM_003482.4 (MANE Select); coding-DNA position 14264, C replaced by A.
Protein change: p.Thr4755Asn; replaces threonine 4755 with asparagine.
Molecular consequence: missense variant.
Genome position (GRCh38, 1-based): chr12:49,028,946, G>T on the plus strand (C>A on the coding strand, the complement: KMT2D is on the minus strand). VCF-style: chr12-49028946-G-T. GRCh37 (hg19) VCF-style: chr12-49422729-G-T.
Other names: short protein forms T4755N.
Identifiers: ClinVar variation 2727414 (VCV002727414.3), dbSNP rs185009821, ClinGen allele CA236635225.

ClinVar aggregate classification (germline): Uncertain significance (1 of 4 stars; one submission).

Conditions:
Kabuki syndrome. Also called: NIIKAWA-KUROKI SYNDROME; Kabuki make-up syndrome. Identifiers: Orphanet 2322, MedGen C0796004, MONDO:0016512.

Allele frequency attached by ClinVar (database versions not stated): gnomAD 0.00001; 1000 Genomes Project 30x 0.00016; 1000 Genomes Project 0.00020.
gnomAD v4.1: 1 of 1,613,896 alleles (0.000062%); highest among the groups gnomAD compares: African/African-American, 0.0013%; no homozygotes.

Submission:

Labcorp Genetics (formerly Invitae), Labcorp
Classification: Uncertain significance for Kabuki syndrome. Last evaluated: 2024-08-14. Review status: criteria provided, single submitter. Criteria: Invitae Variant Classification Sherloc (09022015). Collection method: clinical testing. Allele origin: germline.
Comment: This sequence change replaces threonine, which is neutral and polar, with asparagine, which is neutral and polar, at codon 4755 of the KMT2D protein (p.Thr4755Asn). This variant is not present in population databases (gnomAD no frequency). This variant has not been reported in the literature in individuals affected with KMT2D-related conditions. Invitae Evidence Modeling of protein sequence and biophysical properties (such as structural, functional, and spatial information, amino acid conservation, physicochemical variation, residue mobility, and thermodynamic stability) indicates that this missense variant is not expected to disrupt KMT2D protein function with a negative predictive value of 95%. In summary, the available evidence is currently insufficient to determine the role of this variant in disease. Therefore, it has been classified as a Variant of Uncertain Significance.